The following is an entry in ClinVar:

ClinVar aggregate classification (germline): Uncertain significance. Review status: criteria provided, multiple submitters, no conflicts (2 of 4 stars). 2 submissions from 2 submitters: Uncertain significance (2). Last evaluated 2022-09-10.

Conditions:
Hereditary cancer-predisposing syndrome. Also called: Tumor predisposition; Hereditary neoplastic syndrome; Neoplastic Syndromes, Hereditary; Hereditary Cancer Syndrome. Identifiers: Orphanet 140162, MedGen C0027672, MeSH D009386, MONDO:0015356.
Familial melanoma. Also called: Hereditary melanoma; Hereditary cutaneous melanoma. Identifiers: Orphanet 618, MedGen C1512419, MONDO:0018961.

Submissions (2):

Ambry Genetics
Classification: Uncertain significance for Hereditary cancer-predisposing syndrome. Last evaluated: 2022-09-10. Review status: criteria provided, single submitter. Criteria: Ambry Variant Classification Scheme 2023. Collection method: clinical testing. Allele origin: germline.
Comment: The p.R5G variant (also known as c.13C>G), located in coding exon 1 of the CDK4 gene, results from a C to G substitution at nucleotide position 13. The arginine at codon 5 is replaced by glycine, an amino acid with dissimilar properties. This amino acid position is not well conserved in available vertebrate species. In addition, this alteration is predicted to be tolerated by in silico analysis. Since supporting evidence is limited at this time, the clinical significance of this alteration remains unclear.

Labcorp Genetics (formerly Invitae), Labcorp
Classification: Uncertain significance for Familial melanoma. Last evaluated: 2022-04-02. Review status: criteria provided, single submitter. Criteria: Invitae Variant Classification Sherloc (09022015). Collection method: clinical testing. Allele origin: germline.
Comment: In summary, the available evidence is currently insufficient to determine the role of this variant in disease. Therefore, it has been classified as a Variant of Uncertain Significance. Advanced modeling of protein sequence and biophysical properties (such as structural, functional, and spatial information, amino acid conservation, physicochemical variation, residue mobility, and thermodynamic stability) performed at Invitae indicates that this missense variant is not expected to disrupt CDK4 protein function. ClinVar contains an entry for this variant (Variation ID: 819121). This variant has not been reported in the literature in individuals affected with CDK4-related conditions. This variant is not present in population databases (gnomAD no frequency). This sequence change replaces arginine, which is basic and polar, with glycine, which is neutral and non-polar, at codon 5 of the CDK4 protein (p.Arg5Gly).

NM_000075.4(CDK4):c.13C>G (p.Arg5Gly)

Gene: CDK4 (cyclin dependent kinase 4; minus strand). Cytogenetic location: 12q14.1.
Variant type: single nucleotide variant.
Coding change: c.13C>G on transcript NM_000075.4 (MANE Select); coding-DNA position 13, C replaced by G.
Protein change: p.Arg5Gly; replaces arginine 5 with glycine.
Molecular consequence: missense variant.
Genome position (GRCh38, 1-based): chr12:57,751,705, G>C on the plus strand (C>G on the coding strand, the complement: CDK4 is on the minus strand). VCF-style: chr12-57751705-G-C. GRCh37 (hg19) VCF-style: chr12-58145488-G-C.
Other names: short protein forms R5G.
Identifiers: ClinVar variation 819121 (VCV000819121.9), dbSNP rs1595111256, ClinGen allele CA385549317.
Genomic context (GRCh38, chr12:57,751,705, plus strand): 5'-CACGGGCCTTGTACACTGTCCCATAGGCACCGACACCAATTTCAGCCACTGGCTCATATC[G>C]AGAGGTAGCCATTCTCAGATCAAGGGAGACCCTACAATCACAGACTCCTATCACCAAAAG-3'
Protein context (NP_000066.1, residues 1-15): MATS[Arg5Gly]YEPVAEIGVG